The following is an entry in ClinVar:

ClinVar aggregate classification (germline): Uncertain significance (1 of 4 stars; one submission).

Conditions:
Alpha thalassemia-X-linked intellectual disability syndrome (ATRX). Also called: ALPHA-THALASSEMIA/MENTAL RETARDATION SYNDROME, X-LINKED; ATR, NONDELETION TYPE; X-linked alpha-thalassemia-mental retardation syndrome; ATR-X syndrome; Alpha thalassemia mental retardation syndrome, nondeletion type, X-linked; XLMR hypotonic face syndrome. Identifiers: Orphanet 847, MedGen C1845055, MONDO:0010519, OMIM 301040.
Intellectual disability-hypotonic facies syndrome, X-linked, 1 (MRXHF1). Also called: XLMR-HYPOTONIC FACIES SYNDROME; X-linked intellectual disability-hypotonic face syndrome; Carpenter-Waziri syndrome; Smith Fineman Myers syndrome 1; CHUDLEY-LOWRY SYNDROME; Chudley syndrome 1. Identifiers: Orphanet 73220, Orphanet 93970, Orphanet 93971, Orphanet 93972, Orphanet 93973, Orphanet 93974, Orphanet 93975, MedGen C4759781, MONDO:0010663, OMIM 309580.

Submission:

New York Genome Center
Classification: Uncertain significance for Alpha thalassemia-X-linked intellectual disability syndrome; Intellectual disability-hypotonic facies syndrome, X-linked, 1. Last evaluated: 2021-09-03. Review status: criteria provided, single submitter. Criteria: NYGC Assertion Criteria 2020. Collection method: clinical testing. Allele origin: inherited. Observed: 1 hemizygote. Study: CSER-NYCKidSeq.
Comment: The c.4103G>T, p.Gly1368Val hemizygous missense variant has not been reported in the literature for ATRX-related disorders. This variant is absent in the gnomAD v3.1.1 database, suggesting it is not a common benign variant in the populations represented in this database. In silico tools predict conflicting interpretations of pathogenicity. Based on the available evidence, the missense variant c.4103G>T, p.Gly1368Val in the ATRX gene is classified as a Variant of Uncertain Significance

NM_000489.6(ATRX):c.4103G>T (p.Gly1368Val)

Gene: ATRX (ATRX chromatin remodeler; minus strand). Cytogenetic location: Xq21.1.
Variant type: single nucleotide variant.
Coding change: c.4103G>T on transcript NM_000489.6 (MANE Select); coding-DNA position 4103, G replaced by T.
Protein change: p.Gly1368Val; replaces glycine 1368 with valine.
Molecular consequence: missense variant.
Genome position (GRCh38, 1-based): chrX:77,663,399, C>A on the plus strand (G>T on the coding strand, the complement: ATRX is on the minus strand). VCF-style: chrX-77663399-C-A. GRCh37 (hg19) VCF-style: chrX-76918888-C-A.
Other names: c.3989G>T, p.Gly1330Val (NM_138270.5); short protein forms G1330V, G1368V.
Identifiers: ClinVar variation 1701648 (VCV001701648.2), dbSNP rs2148487205, ClinGen allele CA413699380.
Genomic context (GRCh38, chrX:77,663,399, plus strand): 5'-CTGGTCCAATATGTTCTTTACATTCAGAATTAAAACATCTTACCCTTTCTTCTGTTTCTG[C>A]CTTTGACTTCTTTATGCTCTTTAGGCTTTGTCTTTTTTTCTTCTCCAGATTCTCCGTCAC-3'
Protein context (NP_000480.3, residues 1358-1378): TKPKEHKEVK[Gly1368Val]RNRRKVSSED